The following is an entry in ClinVar:

ClinVar aggregate classification (germline): Benign. Review status: criteria provided, single submitter (1 of 4 stars). 2 submissions from 2 submitters: Benign (1). 1 of the submissions does not count toward it. Last evaluated 2018-06-13.

Conditions:
VPS13C-related disorder. Also called: VPS13C-related condition.

Allele frequency attached by ClinVar (database versions not stated): gnomAD 0.00002 and 0.00004; TOPMed 0.00004; ESP Exome Variant Server 0.00008; gnomAD exomes 0.00011 and 0.00033; ExAC 0.00039.
gnomAD v4.1: 174 of 1,613,422 alleles (0.011%); highest among the groups gnomAD compares: South Asian, 0.17%; 2 homozygotes.

Submissions (2):

Labcorp Genetics (formerly Invitae), Labcorp
Classification: Benign. Last evaluated: 2018-06-13. Review status: criteria provided, single submitter. Criteria: Invitae Variant Classification Sherloc (09022015). Collection method: clinical testing. Allele origin: germline.

PreventionGenetics, part of Exact Sciences
Classification: Likely benign for VPS13C-related condition. Last evaluated: 2019-11-25. Review status: no assertion criteria provided. Collection method: clinical testing. Allele origin: germline. Not counted in ClinVar's aggregate classification.
Comment: This variant is classified as likely benign based on ACMG/AMP sequence variant interpretation guidelines (Richards et al. 2015 PMID: 25741868, with internal and published modifications).

NM_020821.3(VPS13C):c.10554C>T (p.Ala3518=)

Gene: VPS13C (vacuolar protein sorting 13 homolog C; minus strand). Cytogenetic location: 15q22.2.
Variant type: single nucleotide variant.
Coding change: c.10554C>T on transcript NM_020821.3 (MANE Select); coding-DNA position 10554, C replaced by T.
Protein change: p.Ala3518=; no amino-acid change (alanine 3518 retained).
Molecular consequence: synonymous variant.
Genome position (GRCh38, 1-based): chr15:61,873,270, G>A on the plus strand (C>T on the coding strand, the complement: VPS13C is on the minus strand). VCF-style: chr15-61873270-G-A. GRCh37 (hg19) VCF-style: chr15-62165469-G-A.
Other names: c.10554C>T, p.Ala3518= (NM_001018088.3); c.10425C>T, p.Ala3475= (NM_017684.5, NM_018080.4).
Identifiers: ClinVar variation 740199 (VCV000740199.5), dbSNP rs376117096, ClinGen allele CA7594303.